The following is an entry in ClinVar:

NM_000287.4(PEX6):c.1817_1820dup (p.Leu608fs)

Gene: PEX6 (peroxisomal biogenesis factor 6; minus strand). Cytogenetic location: 6p21.1.
Variant type: Duplication.
Coding change: c.1817_1820dup on transcript NM_000287.4 (MANE Select); coding-DNA positions 1817 to 1820, 4 bases duplicated (GGGC; older notation c.1817_1820dupGGGC).
Protein change: p.Leu608fs; shifts the reading frame from leucine 608.
Molecular consequence: frameshift variant. On other transcripts: non-coding transcript variant (1).
Genome position (GRCh38, 1-based): chr6:42,967,432-42,967,435, GCCC duplicated on the plus strand (GGGC on the coding strand, the reverse complement: PEX6 is on the minus strand); duplicating any 4 consecutive bases within chr6:42,967,432-42,967,437 gives the same sequence; the c. name uses the placement nearest the transcript's 3' end. VCF-style (leftmost placement, unchanged base first): chr6-42967431-G-GGCCC. GRCh37 (hg19) VCF-style: chr6-42935169-G-GGCCC.
Other names: c.1553_1556dup, p.Leu520fs (NM_001316313.2); short protein forms L520fs, L608fs.
Identifiers: ClinVar variation 5013431 (VCV005013431.1).

ClinVar aggregate classification (germline): Pathogenic (1 of 4 stars; one submission).

Conditions:
Peroxisome biogenesis disorder. Identifiers: Orphanet 79189, MedGen C1832200, MONDO:0019234. Disease mechanism: loss of function.

Submission:

Myriad Genetics, Inc.
Classification: Pathogenic for Peroxisome biogenesis disorder. Last evaluated: 2024-08-09. Review status: criteria provided, single submitter. Criteria: Myriad Autosomal Dominant, Autosomal Recessive and X-Linked Classification Criteria (2023). Collection method: clinical testing. Allele origin: unknown.
Comment: NM_000287.3(PEX6):c.1817_1820dupGGGC(L608Gfs*55) is expected to be pathogenic in the context of peroxisome biogenesis disorder type 4. This variant is predicted to lead to an abnormal or absent protein product due to the creation of a premature termination codon in PEX6, a gene where loss-of-function variants are known to be pathogenic. Please note: this variant was assessed in the context of healthy population screening.